The following is an entry in ClinVar:

ClinVar aggregate classification (germline): Pathogenic/Likely pathogenic. Review status: criteria provided, multiple submitters, no conflicts (2 of 4 stars). 5 submissions from 5 submitters: Pathogenic (4); Likely pathogenic (1). Last evaluated 2024-12-30.

Conditions:
Mucopolysaccharidosis type 6 (MPS6). Also called: MPS VI; N-ACETYLGALACTOSAMINE-4-SULFATASE DEFICIENCY; ARSB DEFICIENCY; ARYLSULFATASE B DEFICIENCY; MPS 6; Maroteaux Lamy syndrome. Identifiers: Orphanet 583, MedGen C0026709, MONDO:0009661, OMIM 253200.

gnomAD v4.1: 3 of 1,613,814 alleles (0.00019%); highest among the groups gnomAD compares: East Asian, 0.0067%; no homozygotes.

Submissions (5):

Natera, Inc.
Classification: Pathogenic for Mucopolysaccharidosis type VI. Last evaluated: 2024-12-30. Review status: criteria provided, single submitter. Criteria: Natera Variant Classification Schema (03/2026). Collection method: clinical testing. Allele origin: germline.
Comment: The c.1197C>G variant in ARSB is a missense variant predicted to cause substitution of phenylalanine to leucine at amino acid 399. This variant is rare in the general population with a frequency below the threshold expected for the associated phenotype(s). This variant has been observed in one or more individuals affected with the associated recessive disease, as either homozygous or compound heterozygous with a second variant (PMID: 17034777, 18486607, 15603718, 34813777). Additionally, this variant has been observed to segregate in affected family members (PMID: 15603718). Given the available evidence, this variant is classified as Pathogenic.

Women's Health and Genetics/Laboratory Corporation of America, LabCorp
Classification: Pathogenic for Mucopolysaccharidosis type 6. Last evaluated: 2024-11-04. Review status: criteria provided, single submitter. Criteria: LabCorp Variant Classification Summary - May 2015. Collection method: clinical testing. Allele origin: germline.
Comment: Variant summary: ARSB c.1197C>G (p.Phe399Leu) results in a non-conservative amino acid change in the encoded protein sequence. Three of five in-silico tools predict a damaging effect of the variant on protein function. The variant allele was found at a frequency of 2e-05 in 251354 control chromosomes. c.1197C>G has been reported in the literature in multiple homozygous and compound heterozygous individuals affected with Mucopolysaccharidosis Type VI (Maroteaux-Lamy Syndrome) (Yang_2001, Lin_2008, Zheng_2014, He_2021, Fang_2022). These data indicate that the variant is very likely to be associated with disease. To our knowledge, no experimental evidence demonstrating an impact on protein function has been reported. The following publications have been ascertained in the context of this evaluation (PMID: 34813777, 33985463, 18486607, 11802522, 25190157). ClinVar contains an entry for this variant (Variation ID: 559688). Based on the evidence outlined above, the variant was classified as pathogenic.

Labcorp Genetics (formerly Invitae), Labcorp
Classification: Pathogenic for Mucopolysaccharidosis type 6. Last evaluated: 2024-10-26. Review status: criteria provided, single submitter. Criteria: Invitae Variant Classification Sherloc (09022015). Collection method: clinical testing. Allele origin: germline.
Comment: This sequence change replaces phenylalanine, which is neutral and non-polar, with leucine, which is neutral and non-polar, at codon 399 of the ARSB protein (p.Phe399Leu). This variant is present in population databases (rs200793396, gnomAD 0.02%). This missense change has been observed in individual(s) with mucopolysaccharidosis type VI (PMID: 11802522, 18486607, 25190157). ClinVar contains an entry for this variant (Variation ID: 559688). Invitae Evidence Modeling of protein sequence and biophysical properties (such as structural, functional, and spatial information, amino acid conservation, physicochemical variation, residue mobility, and thermodynamic stability) has been performed for this missense variant. However, the output from this modeling did not meet the statistical confidence thresholds required to predict the impact of this variant on ARSB protein function. For these reasons, this variant has been classified as Pathogenic.

Illumina Laboratory Services, Illumina
Classification: Pathogenic for Mucopolysaccharidosis type 6. Last evaluated: 2018-09-10. Review status: criteria provided, single submitter. Criteria: ICSL Variant Classification Criteria 09 May 2019. Collection method: clinical testing. Allele origin: germline.
Comment: The ARSB c.1197C>G (p.Phe399Leu) missense variant has been reported in five studies and is found in a total of seven individuals with mucopolysaccharidosis, type VI, including in one in a homozygous state and in six in a compound heterozygous state, including one sibling pair (Yang et al. 2001; Ching-Wan et al. 2004; Lin et al. 2008; But et al. 2011; Zheng et al. 2014). The p.Phe399Leu variant was also found in a heterozygous state in two unaffected parents (Ching-Wan et al. 2004). The p.Phe399Leu variant was absent from 150 control subjects and is reported at a frequency of 0.000174 in the East Asian population of the Genome Aggregation Database. Based on the evidence, the p.Phe399Leu variant is classified as pathogenic for mucopolysaccharidosis. This variant was observed by ICSL as part of a predisposition screen in an ostensibly healthy population.

Laboratory of Diagnosis and Therapy of Lysosomal Disorders, University of Padova
Classification: Likely pathogenic for Mucopolysaccharidosis type 6. Last evaluated: 2018-01-01. Review status: criteria provided, single submitter. Criteria: ACMG Guidelines, 2015. Collection method: curation. Allele origin: germline. Affected: yes.
Comment: In vitro functional studies supportive of a damaging effect on the gene product (low to no ARSB activity in homozygotes; PS3); Very low frequency in ExAC (PM2)

Literature cited by the submitters: PubMed 17034777 (cited by Natera, Inc.); PubMed 18486607 (cited by 4 submitters); PubMed 15603718 (cited by 3 submitters); PubMed 34813777 (cited by Natera, Inc. and Women's Health and Genetics/Laboratory Corporation of America, LabCorp); PubMed 33985463 (cited by Women's Health and Genetics/Laboratory Corporation of America, LabCorp); PubMed 25190157 (cited by 4 submitters); PubMed 11802522 (cited by 4 submitters); PubMed 21813902 (cited by Illumina Laboratory Services, Illumina and Laboratory of Diagnosis and Therapy of Lysosomal Disorders, University of Padova); PubMed 24053568 (cited by Laboratory of Diagnosis and Therapy of Lysosomal Disorders, University of Padova); PubMed 30118150 (cited by Laboratory of Diagnosis and Therapy of Lysosomal Disorders, University of Padova).

NM_000046.5(ARSB):c.1197C>G (p.Phe399Leu)

Gene: ARSB (arylsulfatase B; minus strand). Cytogenetic location: 5q14.1.
Variant type: single nucleotide variant.
Coding change: c.1197C>G on transcript NM_000046.5 (MANE Select); coding-DNA position 1197, C replaced by G.
Protein change: p.Phe399Leu; replaces phenylalanine 399 with leucine.
Molecular consequence: missense variant.
Genome position (GRCh38, 1-based): chr5:78,839,372, G>C on the plus strand (C>G on the coding strand, the complement: ARSB is on the minus strand). VCF-style: chr5-78839372-G-C. GRCh37 (hg19) VCF-style: chr5-78135195-G-C.
Other names: c.1197C>G, p.Phe399Leu (NM_198709.3); short protein forms F399L.
Identifiers: ClinVar variation 559688 (VCV000559688.20), dbSNP rs200793396, ClinGen allele CA3318087.